The following is an entry in ClinVar:

ClinVar aggregate classification (germline): Pathogenic (1 of 4 stars; one submission).

Conditions:
Holocarboxylase synthetase deficiency. Also called: MULTIPLE CARBOXYLASE DEFICIENCY, EARLY ONSET. Identifiers: Orphanet 79242, MedGen C0268581, MONDO:0009666, OMIM 253270.

Submission:

Myriad Genetics, Inc.
Classification: Pathogenic for Holocarboxylase synthetase deficiency. Last evaluated: 2026-07-23. Review status: criteria provided, single submitter. Criteria: Myriad Autosomal Dominant, Autosomal Recessive and X-Linked Classification Criteria (2023). Collection method: clinical testing. Allele origin: unknown.
Comment: NM_000411.6(HLCS):c.1484T>G(L495*) is expected to be pathogenic in the context of holocarboxylase synthetase deficiency. This variant is predicted to lead to an abnormal or absent protein product due to the creation of a premature termination codon in HLCS, a gene where loss-of-function variants are known to be pathogenic. Please note: this variant was assessed in the context of healthy population screening.

NM_001352514.2(HLCS):c.1925T>G (p.Leu642Ter)

Gene: HLCS (holocarboxylase synthetase; minus strand). Cytogenetic location: 21q22.13.
Variant type: single nucleotide variant.
Coding change: c.1925T>G on transcript NM_001352514.2 (MANE Select); coding-DNA position 1925, T replaced by G.
Protein change: p.Leu642Ter; replaces leucine 642 with a stop codon.
Molecular consequence: nonsense. On other transcripts: non-coding transcript variant (2).
Genome position (GRCh38, 1-based): chr21:36,767,253, A>C on the plus strand (T>G on the coding strand, the complement: HLCS is on the minus strand). VCF-style: chr21-36767253-A-C. GRCh37 (hg19) VCF-style: chr21-38139554-A-C.
Other names: c.1484T>G, p.Leu495Ter (NM_000411.8, NM_001242784.3, NM_001242785.2 and 4 more transcripts); short protein forms L495*, L642*.
Identifiers: ClinVar variation 5016154 (VCV005016154.1).